The following is an entry in ClinVar:

ClinVar aggregate classification (germline): Likely pathogenic (1 of 4 stars; one submission).

Conditions:
Nephrogenic diabetes insipidus. Identifiers: Orphanet 223, MedGen C0162283, MONDO:0016383, HP:0009806.

Submission:

Women's Health and Genetics/Laboratory Corporation of America, LabCorp
Classification: Likely pathogenic for Nephrogenic Diabetes Insipidus. Last evaluated: 2011-08-18. Review status: criteria provided, single submitter. Criteria: LabCorp Variant Classification Summary - May 2015. Collection method: curation, clinical testing. Allele origin: germline. Inheritance: Xlinked recessive. Affected: yes. Observed: 1 variant allele.
ClinVar note: Converted during submission from likely pathogenic to Likely pathogenic.

Literature cited by the submitters: PubMed 8766931; PubMed 18407239; PubMed 8815789; PubMed 7541187; PubMed 8037205.

NM_000054.7(AVPR2):c.853G>C (p.Ala285Pro)

Gene: AVPR2 (arginine vasopressin receptor 2; plus strand). Cytogenetic location: Xq28.
Variant type: single nucleotide variant.
Coding change: c.853G>C on transcript NM_000054.7 (MANE Select); coding-DNA position 853, G replaced by C.
Protein change: p.Ala285Pro; replaces alanine 285 with proline.
Molecular consequence: missense variant. On other transcripts: non-coding transcript variant (1).
Genome position (GRCh38, 1-based): chrX:153,906,359, G>C. VCF-style: chrX-153906359-G-C. GRCh37 (hg19) VCF-style: chrX-153171813-G-C.
Other names: c.853G>C, p.Ala285Pro (NM_001146151.3); short protein forms A285P.
Identifiers: ClinVar variation 35748 (VCV000035748.3), dbSNP rs193922122, ClinGen allele CA260173.